The following is an entry in ClinVar:

NM_020706.2(SCAF4):c.936TCC[3] (p.Pro316del)

Gene: SCAF4 (SR-related CTD associated factor 4; minus strand). Cytogenetic location: 21q22.11.
Variant type: Microsatellite.
Coding change: c.936TCC[3] on transcript NM_020706.2 (MANE Select); three copies in a row of the 3-base unit TCC starting at c.936; the reference has four copies in a row; one copy, 3 bases deleted.
Protein change: p.Pro316del; deletes proline 316.
Molecular consequence: inframe deletion.
Genome position (GRCh38, 1-based): chr21:31,696,581-31,696,583, GGA deleted on the plus strand (TCC on the coding strand, the reverse complement: SCAF4 is on the minus strand); deleting any 3 consecutive bases within chr21:31,696,581-31,696,593 gives the same sequence; the position shown is the placement nearest the transcript's 3' end. VCF-style (leftmost placement, unchanged base first): chr21-31696580-TGGA-T. GRCh37 (hg19) VCF-style: chr21-33068893-TGGA-T.
Other names: c.891TCC[3], p.Pro301del (NM_001145444.1); c.936TCC[3], p.Pro316del (NM_001145445.1); short protein forms P301del, P316del.
Identifiers: ClinVar variation 4533613 (VCV004533613.6).
Genomic context (GRCh38, chr21:31,696,580, plus strand): 5'-CAACTATTACCAATTTTCTATCTGCTGAGGAATAAAAAAAAAAACTAACAATGGTGCCTG[TGGA>T]GGAGGAGGAGAGGCAGCAGCGGGTGCAGCAGCAGCAGGCACGGTGGCGGTGGGTGCAGGG-3'

ClinVar aggregate classification (germline): Likely benign (1 of 4 stars; one submission).

Submission:

CeGaT Center for Human Genetics Tuebingen
Classification: Likely benign. Last evaluated: 2025-10-01. Review status: criteria provided, single submitter. Criteria: CeGaT Center For Human Genetics Tuebingen Variant Classification Criteria Version 2. Collection method: clinical testing. Allele origin: germline. Affected: yes. Observed: 1 variant allele.
Comment: SCAF4: BP3, BS2